The following is an entry in ClinVar:

ClinVar aggregate classification (germline): Likely pathogenic. Review status: criteria provided, multiple submitters, no conflicts (2 of 4 stars). 2 submissions from 2 submitters: Likely pathogenic (2). Last evaluated 2024-03-06.

Conditions:
Fanconi anemia complementation group A (FANCA). Also called: Fanconi anemia, group A; FANCA-Related Fanconi Anemia. Identifiers: Orphanet 84, MedGen C3469521, MONDO:0009215, OMIM 227650.

Submissions (2):

Fulgent Genetics
Classification: Likely pathogenic for Fanconi anemia complementation group A. Last evaluated: 2024-03-06. Review status: criteria provided, single submitter. Criteria: ACMG Guidelines, 2015. Collection method: clinical testing. Allele origin: germline.

Myriad Genetics, Inc.
Classification: Likely pathogenic for Fanconi anemia complementation group A. Last evaluated: 2019-03-12. Review status: criteria provided, single submitter. Criteria: Myriad Women's Health Autosomal Recessive and X-Linked Classification Criteria (2019). Collection method: clinical testing. Allele origin: unknown.
Comment: NM_000135.2(FANCA):c.3133G>T(E1045*) is expected to be pathogenic in the context of Fanconi anemia complementation group A. This variant is predicted to lead to an abnormal or absent protein product due to the creation of a premature termination codon in FANCA, a gene where loss-of-function variants are known to be pathogenic. Please note: this variant was assessed in the context of healthy population screening.

NM_000135.4(FANCA):c.3133G>T (p.Glu1045Ter)

Gene: FANCA (FA complementation group A; minus strand). Cytogenetic location: 16q24.3.
Variant type: single nucleotide variant.
Coding change: c.3133G>T on transcript NM_000135.4 (MANE Select); coding-DNA position 3133, G replaced by T.
Protein change: p.Glu1045Ter; replaces glutamic acid 1045 with a stop codon.
Molecular consequence: nonsense.
Genome position (GRCh38, 1-based): chr16:89,749,836, C>A on the plus strand (G>T on the coding strand, the complement: FANCA is on the minus strand). VCF-style: chr16-89749836-C-A. GRCh37 (hg19) VCF-style: chr16-89816244-C-A.
Other names: c.3133G>T, p.Glu1045Ter (NM_001286167.3); short protein forms E1045*.
Identifiers: ClinVar variation 983705 (VCV000983705.4), dbSNP rs2038519770, ClinGen allele CA397486630.